The following is an entry in ClinVar:

NM_005591.4(MRE11):c.865A>G (p.Ile289Val)

Gene: MRE11 (MRE11 double strand break repair nuclease; minus strand). Cytogenetic location: 11q21.
Variant type: single nucleotide variant.
Coding change: c.865A>G on transcript NM_005591.4 (MANE Select); coding-DNA position 865, A replaced by G.
Protein change: p.Ile289Val; replaces isoleucine 289 with valine.
Molecular consequence: missense variant.
Genome position (GRCh38, 1-based): chr11:94,470,623, T>C on the plus strand (A>G on the coding strand, the complement: MRE11 is on the minus strand). VCF-style: chr11-94470623-T-C. GRCh37 (hg19) VCF-style: chr11-94203789-T-C.
Other names: c.865A>G, p.Ile289Val (NM_001330347.2, NM_005590.4); short protein forms I289V.
Identifiers: ClinVar variation 3397882 (VCV003397882.1).

ClinVar aggregate classification (germline): Uncertain significance (1 of 4 stars; one submission).

Conditions:
Hereditary cancer-predisposing syndrome. Also called: Hereditary Cancer Syndrome; Tumor predisposition; Hereditary neoplastic syndrome; Neoplastic Syndromes, Hereditary. Identifiers: Orphanet 140162, MedGen C0027672, MeSH D009386, MONDO:0015356.

Submission:

Ambry Genetics
Classification: Uncertain significance for Hereditary cancer-predisposing syndrome. Last evaluated: 2024-11-05. Review status: criteria provided, single submitter. Criteria: Ambry Variant Classification Scheme 2023. Collection method: clinical testing. Allele origin: germline.
Comment: The p.I289V variant (also known as c.865A>G), located in coding exon 8 of the MRE11A gene, results from an A to G substitution at nucleotide position 865. The isoleucine at codon 289 is replaced by valine, an amino acid with highly similar properties. This amino acid position is conserved. In addition, this alteration is predicted to be tolerated by in silico analysis. Based on the available evidence, the clinical significance of this variant remains unclear.